The following is an entry in ClinVar:

ClinVar aggregate classification (germline): Uncertain significance (1 of 4 stars; one submission).

Conditions:
Inborn genetic diseases. Identifiers: MedGen C0950123, MeSH D030342.

Submission:

Ambry Genetics
Classification: Uncertain significance for Inborn genetic diseases. Last evaluated: 2024-03-27. Review status: criteria provided, single submitter. Criteria: Ambry Variant Classification Scheme 2023. Collection method: clinical testing. Allele origin: germline.
Comment: The c.4408+6A>G intronic alteration consists of a A to G substitution nucleotides after coding exon 25 in the HECW2 gene. Based on insufficient or conflicting evidence, the clinical significance of this alteration remains unclear.

NM_001348768.2(HECW2):c.4408+6A>G

Gene: HECW2 (HECT, C2 and WW domain containing E3 ubiquitin protein ligase 2; minus strand). Cytogenetic location: 2q32.3.
Variant type: single nucleotide variant.
Coding change: c.4408+6A>G on transcript NM_001348768.2 (MANE Select); 6 bases into the intron after coding-DNA position 4408, A replaced by G.
Molecular consequence: intron variant.
Genome position (GRCh38, 1-based): chr2:196,220,033, T>C on the plus strand (A>G on the coding strand, the complement: HECW2 is on the minus strand). VCF-style: chr2-196220033-T-C. GRCh37 (hg19) VCF-style: chr2-197084757-T-C.
Other names: c.4408+6A>G (NM_020760.4); c.3340+6A>G (NM_001304840.3).
Identifiers: ClinVar variation 3283912 (VCV003283912.1).